The following is an entry in ClinVar:

ClinVar aggregate classification (germline): Uncertain significance (1 of 4 stars; one submission).

Conditions:
Progressive familial heart block type IB (PFHB1B). Identifiers: Orphanet 871, MedGen C1970298, MONDO:0011474, OMIM 604559.

Allele frequency attached by ClinVar (database versions not stated): gnomAD exomes below 0.00001.
gnomAD v4.1: 1 of 1,601,964 alleles (0.000062%); highest among the groups gnomAD compares: Non-Finnish European, 0.000085%; no homozygotes.

Submission:

Labcorp Genetics (formerly Invitae), Labcorp
Classification: Uncertain significance for Progressive familial heart block type IB. Last evaluated: 2022-11-01. Review status: criteria provided, single submitter. Criteria: Invitae Variant Classification Sherloc (09022015). Collection method: clinical testing. Allele origin: germline.
Comment: This sequence change replaces histidine, which is basic and polar, with arginine, which is basic and polar, at codon 44 of the TRPM4 protein (p.His44Arg). This variant is not present in population databases (gnomAD no frequency). This variant has not been reported in the literature in individuals affected with TRPM4-related conditions. ClinVar contains an entry for this variant (Variation ID: 963172). Algorithms developed to predict the effect of missense changes on protein structure and function are either unavailable or do not agree on the potential impact of this missense change (SIFT: "Deleterious"; PolyPhen-2: "Probably Damaging"; Align-GVGD: "Class C0"). In summary, the available evidence is currently insufficient to determine the role of this variant in disease. Therefore, it has been classified as a Variant of Uncertain Significance.

NM_017636.4(TRPM4):c.131A>G (p.His44Arg)

Gene: TRPM4 (transient receptor potential cation channel subfamily M member 4; plus strand). Cytogenetic location: 19q13.33.
Variant type: single nucleotide variant.
Coding change: c.131A>G on transcript NM_017636.4 (MANE Select); coding-DNA position 131, A replaced by G.
Protein change: p.His44Arg; replaces histidine 44 with arginine.
Molecular consequence: missense variant. On other transcripts: 5 prime UTR variant (1), intron variant (2).
Genome position (GRCh38, 1-based): chr19:49,166,079, A>G. VCF-style: chr19-49166079-A-G. GRCh37 (hg19) VCF-style: chr19-49669336-A-G.
Other names: c.131A>G, p.His44Arg (NM_001195227.2, NM_001321281.2); c.-1242A>G (NM_001321282.2); c.-74-2181A>G (NM_001321283.2); c.-237-2474A>G (NM_001321285.2); short protein forms H44R.
Identifiers: ClinVar variation 963172 (VCV000963172.9), dbSNP rs1600400452, ClinGen allele CA406789413.